The following is an entry in ClinVar:

NM_000059.4(BRCA2):c.2675del (p.Phe892fs)

Gene: BRCA2 (BRCA2 DNA repair associated; plus strand). Cytogenetic location: 13q13.1.
Variant type: Deletion.
Coding change: c.2675del on transcript NM_000059.4 (MANE Select); coding-DNA position 2675, one base deleted (T; older notation c.2675delT).
Protein change: p.Phe892fs; shifts the reading frame from phenylalanine 892.
Molecular consequence: frameshift variant. On other transcripts: non-coding transcript variant (1), intron variant (2).
Genome position (GRCh38, 1-based): chr13:32,337,030, T deleted; the last of 2 consecutive T bases (chr13:32,337,029-32,337,030); deleting either gives the same sequence. VCF-style (leftmost placement, unchanged base first): chr13-32337028-CT-C. GRCh37 (hg19) VCF-style: chr13-32911165-CT-C.
Other names: c.2675del, p.Phe892fs (NM_001406719.1, NM_001406720.1, NM_001432077.1); c.1909+3643del (NM_001406721.1); c.424+6000del (NM_001406722.1); short protein forms F892fs.
Identifiers: ClinVar variation 3656088 (VCV003656088.3).
Genomic context (GRCh38, chr13:32,337,028, plus strand): 5'-AAAAATAACTGTCAATCCAGACTCTGAAGAACTTTTCTCAGACAATGAGAATAATTTTGT[CT>C]TCCAAGTAGCTAATGAAAGGAATAATCTTGCTTTAGGAAATACTAAGGAACTTCATGAAA-3'

ClinVar aggregate classification (germline): Pathogenic. Review status: criteria provided, multiple submitters, no conflicts (2 of 4 stars). 2 submissions from 2 submitters: Pathogenic (2). Last evaluated 2025-09-24.

Conditions:
Hereditary cancer-predisposing syndrome. Also called: Hereditary Cancer Syndrome; Neoplastic Syndromes, Hereditary; Hereditary neoplastic syndrome; Tumor predisposition. Identifiers: Orphanet 140162, MedGen C0027672, MeSH D009386, MONDO:0015356.
Hereditary breast ovarian cancer syndrome. Also called: BRCA1- and BRCA2-Associated Hereditary Breast and Ovarian Cancer; Breast and ovarian cancer; Hereditary breast and ovarian cancer syndrome (HBOC); Hereditary breast and ovarian cancer syndrome; Hereditary breast and/or ovarian cancer syndrome; Hereditary breast and ovarian cancer. Identifiers: Orphanet 145, MedGen C0677776, MeSH D061325, MONDO:0003582. Disease mechanism: loss of function.

Submissions (2):

Ambry Genetics
Classification: Pathogenic for Hereditary cancer-predisposing syndrome. Last evaluated: 2025-09-24. Review status: criteria provided, single submitter. Criteria: Ambry Variant Classification Scheme 2023. Collection method: clinical testing. Allele origin: germline.
Comment: The c.2675delT pathogenic mutation, located in coding exon 10 of the BRCA2 gene, results from a deletion of one nucleotide at nucleotide position 2675, causing a translational frameshift with a predicted alternate stop codon (p.F892Sfs*3). This variant is considered to be rare based on population cohorts in the Genome Aggregation Database (gnomAD). This alteration is expected to result in loss of function by premature protein truncation or nonsense-mediated mRNA decay. As such, this alteration is interpreted as a disease-causing mutation.

Labcorp Genetics (formerly Invitae), Labcorp
Classification: Pathogenic for Hereditary breast ovarian cancer syndrome. Last evaluated: 2024-06-10. Review status: criteria provided, single submitter. Criteria: Invitae Variant Classification Sherloc (09022015). Collection method: clinical testing. Allele origin: germline.
Comment: This sequence change creates a premature translational stop signal (p.Phe892Serfs*3) in the BRCA2 gene. It is expected to result in an absent or disrupted protein product. Loss-of-function variants in BRCA2 are known to be pathogenic (PMID: 20104584). This variant is not present in population databases (gnomAD no frequency). This variant has not been reported in the literature in individuals affected with BRCA2-related conditions. For these reasons, this variant has been classified as Pathogenic.

Literature cited by the submitters: PubMed 20104584 (cited by Labcorp Genetics (formerly Invitae), Labcorp).